The following is an entry in ClinVar:

NM_005670.4(EPM2A):c.476+5A>G

Gene: EPM2A (EPM2A glucan phosphatase, laforin; minus strand). Cytogenetic location: 6q24.3.
Variant type: single nucleotide variant.
Coding change: c.476+5A>G on transcript NM_005670.4 (MANE Select); 5 bases into the intron after coding-DNA position 476, A replaced by G.
Molecular consequence: intron variant.
Genome position (GRCh38, 1-based): chr6:145,686,117, T>C on the plus strand (A>G on the coding strand, the complement: EPM2A is on the minus strand). VCF-style: chr6-145686117-T-C. GRCh37 (hg19) VCF-style: chr6-146007253-T-C.
Other names: c.62+5A>G (NM_001360064.2, NM_001368131.1, NM_001360071.2); c.476+5A>G (NM_001360057.2, NM_001018041.2, NM_001368130.1); c.-148+5A>G (NM_001368129.2, NM_001368132.1).
Identifiers: ClinVar variation 1058034 (VCV001058034.8), dbSNP rs1780888090, ClinGen allele CA1670263100.

ClinVar aggregate classification (germline): Conflicting classifications of pathogenicity. Review status: criteria provided, conflicting classifications (1 of 4 stars). 2 submissions from 2 submitters: Uncertain significance (1); Likely benign (1). Last evaluated 2022-09-14.

Conditions:
Progressive myoclonic epilepsy. Also called: Familial progressive myoclonic epilepsy; Myoclonic Epilepsies, Progressive; Myoclonus epilepsy; Progressive myoclonus epilepsy. Identifiers: Orphanet 308, Orphanet 98261, MedGen C0751778, MONDO:0020074.

gnomAD v4.1: 1 of 1,612,006 alleles (0.000062%); no homozygotes.

Submissions (2):

Blueprint Genetics
Classification: Likely benign. Last evaluated: 2022-09-14. Review status: criteria provided, single submitter. Criteria: ACMG Guidelines, 2015. Collection method: clinical testing. Allele origin: germline.

Labcorp Genetics (formerly Invitae), Labcorp
Classification: Uncertain significance for Progressive myoclonic epilepsy. Last evaluated: 2020-09-08. Review status: criteria provided, single submitter. Criteria: Invitae Variant Classification Sherloc (09022015). Collection method: clinical testing. Allele origin: germline.
Comment: This sequence change falls in intron 2 of the EPM2A gene. It does not directly change the encoded amino acid sequence of the EPM2A protein, but it affects a nucleotide within the consensus splice site of the intron. This variant is not present in population databases (ExAC no frequency). This variant has not been reported in the literature in individuals with EPM2A-related conditions. Nucleotide substitutions within the consensus splice site are a relatively common cause of aberrant splicing (PMID: 17576681, 9536098). Algorithms developed to predict the effect of sequence changes on RNA splicing suggest that this variant may create or strengthen a splice site, but this prediction has not been confirmed by published transcriptional studies. In summary, the available evidence is currently insufficient to determine the role of this variant in disease. Therefore, it has been classified as a Variant of Uncertain Significance.

Literature cited by the submitters: PubMed 17576681 (cited by Labcorp Genetics (formerly Invitae), Labcorp); PubMed 9536098 (cited by Labcorp Genetics (formerly Invitae), Labcorp).